The following is an entry in ClinVar:

ClinVar aggregate classification (germline): Uncertain significance (1 of 4 stars; one submission).

Conditions:
Familial cancer of breast. Also called: BREAST CANCER, FAMILIAL; hereditary breast carcinoma; Hereditary breast cancer. Identifiers: Orphanet 227535, MedGen C0346153, MONDO:0016419, OMIM 114480. Disease mechanism: loss of function.

Submission:

Labcorp Genetics (formerly Invitae), Labcorp
Classification: Uncertain significance for Familial cancer of breast. Last evaluated: 2025-04-28. Review status: criteria provided, single submitter. Criteria: Invitae Variant Classification Sherloc (09022015). Collection method: clinical testing. Allele origin: germline.
Comment: This sequence change replaces aspartic acid, which is acidic and polar, with valine, which is neutral and non-polar, at codon 62 of the PALB2 protein (p.Asp62Val). This variant is not present in population databases (gnomAD no frequency). This variant has not been reported in the literature in individuals affected with PALB2-related conditions. An algorithm developed to predict the effect of missense changes on protein structure and function (PolyPhen-2) suggests that this variant is likely to be tolerated. In summary, the available evidence is currently insufficient to determine the role of this variant in disease. Therefore, it has been classified as a Variant of Uncertain Significance.

NM_024675.4(PALB2):c.185A>T (p.Asp62Val)

Gene: PALB2 (partner and localizer of BRCA2; minus strand). Cytogenetic location: 16p12.2.
Variant type: single nucleotide variant.
Coding change: c.185A>T on transcript NM_024675.4 (MANE Select); coding-DNA position 185, A replaced by T.
Protein change: p.Asp62Val; replaces aspartic acid 62 with valine.
Molecular consequence: missense variant. On other transcripts: 5 prime UTR variant (8), intron variant (3).
Genome position (GRCh38, 1-based): chr16:23,637,876, T>A on the plus strand (A>T on the coding strand, the complement: PALB2 is on the minus strand). VCF-style: chr16-23637876-T-A. GRCh37 (hg19) VCF-style: chr16-23649197-T-A.
Other names: c.125A>T, p.Asp42Val (NM_001407296.1); c.185A>T, p.Asp62Val (NM_001407297.1, NM_001407298.1, NM_001407299.1 and 3 more transcripts); c.-701A>T (NM_001407304.1, NM_001407305.1, NM_001407306.1 and 5 more transcripts); c.48+3234A>T (NM_001407314.1); c.-105+3234A>T (NM_001407313.1, NM_001407312.1); short protein forms D42V, D62V.
Identifiers: ClinVar variation 4770264 (VCV004770264.1).